The following is an entry in ClinVar:

ClinVar aggregate classification (germline): Uncertain significance (1 of 4 stars; one submission).

Conditions:
Hereditary sensory and autonomic neuropathy type 6. Also called: HSAN VI; Neuropathy, hereditary sensory and autonomic, type VI. Identifiers: Orphanet 314381, MedGen C3539003, MONDO:0013839, OMIM 614653.
Epidermolysis bullosa simplex 3, localized or generalized intermediate, with BP230 deficiency (EBS3). Also called: Epidermolysis bullosa simplex due to BP230 deficiency; Epidermolysis bullosa simplex, autosomal recessive 2. Identifiers: Orphanet 412181, MedGen C3809470, MONDO:0014180, OMIM 615425.

Allele frequency attached by ClinVar (database versions not stated): ExAC 0.00001; gnomAD 0.00001; gnomAD exomes 0.00001 and below 0.00001; TOPMed below 0.00001.
gnomAD v4.1: 11 of 1,613,552 alleles (0.00068%); highest among the groups gnomAD compares: Non-Finnish European, 0.00093%; no homozygotes.

Submission:

Labcorp Genetics (formerly Invitae), Labcorp
Classification: Uncertain significance for Epidermolysis bullosa simplex 3, localized or generalized intermediate, with BP230 deficiency; Hereditary sensory and autonomic neuropathy type 6. Last evaluated: 2022-01-16. Review status: criteria provided, single submitter. Criteria: Invitae Variant Classification Sherloc (09022015). Collection method: clinical testing. Allele origin: germline.
Comment: Algorithms developed to predict the effect of missense changes on protein structure and function are either unavailable or do not agree on the potential impact of this missense change (SIFT: "Deleterious"; PolyPhen-2: "Benign"; Align-GVGD: "Class C65"). In summary, the available evidence is currently insufficient to determine the role of this variant in disease. Therefore, it has been classified as a Variant of Uncertain Significance. ClinVar contains an entry for this variant (Variation ID: 1063938). This variant has not been reported in the literature in individuals affected with DST-related conditions. This variant is present in population databases (rs768205773, gnomAD 0.0009%). This sequence change replaces glycine, which is neutral and non-polar, with arginine, which is basic and polar, at codon 2055 of the DST protein (p.Gly2055Arg).

NM_001723.7(DST):c.6163G>A (p.Gly2055Arg)

Gene: DST (dystonin; minus strand). Cytogenetic location: 6p12.1.
Variant type: single nucleotide variant.
Coding change: c.6163G>A on transcript NM_001723.7 (MANE Plus Clinical); coding-DNA position 6163, G replaced by A.
Protein change: p.Gly2055Arg; replaces glycine 2055 with arginine.
Molecular consequence: missense variant. On other transcripts: intron variant (10).
Genome position (GRCh38, 1-based): chr6:56,617,304, C>T on the plus strand (G>A on the coding strand, the complement: DST is on the minus strand). VCF-style: chr6-56617304-C-T. GRCh37 (hg19) VCF-style: chr6-56482102-C-T.
Other names: c.4831-2820G>A (NM_001144769.5); c.4930-2820G>A (NM_001374722.1, NM_001374736.1); c.4957-2820G>A (NM_001374734.1); c.4417-2820G>A (NM_001144770.2); c.4297-2820G>A (NM_001374730.1, NM_001386100.1, NM_183380.4 and 1 more transcripts); c.3319-2820G>A (NM_015548.5); short protein forms G2055R.
Identifiers: ClinVar variation 1063938 (VCV001063938.9), dbSNP rs768205773, ClinGen allele CA3870217.
Genomic context (GRCh38, chr6:56,617,304, plus strand): 5'-CAAAGTTCTGGAAGGTCTCTGGTTCTAAGCCCTTCTTAAGGAAATCCCCTTTCTTGAGTC[C>T]ACCAGATGCTCTGCACCCTTCAAGCATCCATTCTTCAGCACTGGGAACTGGGTTCTTTTC-3'
Protein context (NP_001714.1, residues 2045-2065): WMLEGCRASG[Gly2055Arg]LKKGDFLKKG